The following is an entry in ClinVar:

ClinVar aggregate classification (germline): Pathogenic/Likely pathogenic. Review status: criteria provided, multiple submitters, no conflicts (2 of 4 stars). 2 submissions from 2 submitters: Pathogenic (1); Likely pathogenic (1). Last evaluated 2025-04-09.

Conditions:
Phenylketonuria (PKU). Also called: Phenylketonuria (PKU); OLIGOPHRENIA PHENYLPYRUVICA; FOLLING DISEASE; Phenylketonurias. Identifiers: Orphanet 716, MedGen C0031485, MONDO:0009861, OMIM 261600. Disease mechanism: loss of function.

Submissions (2):

Natera, Inc.
Classification: Likely pathogenic for Phenylketonuria. Last evaluated: 2025-04-09. Review status: criteria provided, single submitter. Criteria: Natera Variant Classification Schema (03/2026). Collection method: clinical testing. Allele origin: germline.
Comment: The c.1111_1117del variant in PAH is a frameshift variant predicted to shift the reading frame beginning at codon 371 and leads to a stop codon 27 codons downstream. This variant is expected to result in nonsense mediated decay, truncation, or a dysfunctional protein product. This variant is rare in the general population with a frequency below the threshold expected for the associated phenotype(s). Given the available evidence, this variant is classified as Likely Pathogenic.

Labcorp Genetics (formerly Invitae), Labcorp
Classification: Pathogenic for Phenylketonuria. Last evaluated: 2021-12-31. Review status: criteria provided, single submitter. Criteria: Invitae Variant Classification Sherloc (09022015). Collection method: clinical testing. Allele origin: germline.
Comment: This sequence change creates a premature translational stop signal (p.Lys371Profs*27) in the PAH gene. It is expected to result in an absent or disrupted protein product. Loss-of-function variants in PAH are known to be pathogenic (PMID: 1301187, 9634518). This variant is not present in population databases (gnomAD no frequency). This variant has not been reported in the literature in individuals affected with PAH-related conditions. For these reasons, this variant has been classified as Pathogenic.

Literature cited by the submitters: PubMed 1301187 (cited by Labcorp Genetics (formerly Invitae), Labcorp); PubMed 9634518 (cited by Labcorp Genetics (formerly Invitae), Labcorp).

NM_000277.3(PAH):c.1111_1117del (p.Lys371fs)

Gene: PAH (phenylalanine hydroxylase; minus strand). Cytogenetic location: 12q23.2.
Variant type: Deletion.
Coding change: c.1111_1117del on transcript NM_000277.3 (MANE Select); coding-DNA positions 1111 to 1117, 7 bases deleted (AAGACAG; older notation c.1111_1117delAAGACAG).
Protein change: p.Lys371fs; shifts the reading frame from lysine 371.
Molecular consequence: frameshift variant.
Genome position (GRCh38, 1-based): chr12:102,843,728-102,843,734, CTGTCTT deleted on the plus strand (AAGACAG on the coding strand, the reverse complement: PAH is on the minus strand); deleting any 7 consecutive bases within chr12:102,843,728-102,843,736 gives the same sequence; the c. name uses the placement nearest the transcript's 3' end. VCF-style (leftmost placement, unchanged base first): chr12-102843727-GCTGTCTT-G. GRCh37 (hg19) VCF-style: chr12-103237505-GCTGTCTT-G.
Other names: c.1111_1117del, p.Lys371fs (NM_001354304.2); c.1111_1117del (NM_000277.2); short protein forms K371fs.
Identifiers: ClinVar variation 2164714 (VCV002164714.3), dbSNP rs2499614156, ClinGen allele CA2580085701.